The following is an entry in ClinVar:

NM_000550.3(TYRP1):c.661C>G (p.Leu221Val)

Gene: TYRP1 (tyrosinase related protein 1; plus strand). Cytogenetic location: 9p23.
Variant type: single nucleotide variant.
Coding change: c.661C>G on transcript NM_000550.3 (MANE Select); coding-DNA position 661, C replaced by G.
Protein change: p.Leu221Val; replaces leucine 221 with valine.
Molecular consequence: missense variant.
Genome position (GRCh38, 1-based): chr9:12,695,790, C>G. VCF-style: chr9-12695790-C-G. GRCh37 (hg19) VCF-style: chr9-12695790-C-G.
Other names: short protein forms L221V.
Identifiers: ClinVar variation 1383460 (VCV001383460.6), dbSNP rs2118223971, ClinGen allele CA372937994.
Genomic context (GRCh38, chr9:12,695,790, plus strand): 5'-CTTGGGGTAGGACAGGAAAGCTTTGGTGAAGTGGATTTCTCTCATGAGGGACCAGCTTTT[C>G]TCACATGGCACAGGTACCACCTCCTGCGTCTGGAGAAAGACATGCAGGTATGTAAGAAGC-3'
Protein context (NP_000541.1, residues 211-231): VDFSHEGPAF[Leu221Val]TWHRYHLLRL

ClinVar aggregate classification (germline): Uncertain significance (1 of 4 stars; one submission).

gnomAD v4.1: 1 of 1,614,114 alleles (0.000062%); highest among the groups gnomAD compares: Non-Finnish European, 0.000085%; no homozygotes.

Submission:

Labcorp Genetics (formerly Invitae), Labcorp
Classification: Uncertain significance. Last evaluated: 2021-12-13. Review status: criteria provided, single submitter. Criteria: Invitae Variant Classification Sherloc (09022015). Collection method: clinical testing. Allele origin: germline.
Comment: Algorithms developed to predict the effect of missense changes on protein structure and function (SIFT, PolyPhen-2, Align-GVGD) all suggest that this variant is likely to be tolerated. In summary, the available evidence is currently insufficient to determine the role of this variant in disease. Therefore, it has been classified as a Variant of Uncertain Significance. This sequence change replaces leucine, which is neutral and non-polar, with valine, which is neutral and non-polar, at codon 221 of the TYRP1 protein (p.Leu221Val). This variant is not present in population databases (gnomAD no frequency). This variant has not been reported in the literature in individuals affected with TYRP1-related conditions.